The following is an entry in ClinVar:

NM_021942.6(TRAPPC11):c.2306T>C (p.Met769Thr)

Genes: TRAPPC11 (trafficking protein particle complex subunit 11; plus strand), LOC126807238 (BRD4-independent group 4 enhancer GRCh37_chr4:184614366-184615565; plus strand). Cytogenetic location: 4q35.1.
Variant type: single nucleotide variant.
Coding change: c.2306T>C on transcript NM_021942.6 (MANE Select); coding-DNA position 2306, T replaced by C.
Protein change: p.Met769Thr; replaces methionine 769 with threonine.
Molecular consequence: missense variant.
Genome position (GRCh38, 1-based): chr4:183,693,657, T>C. VCF-style: chr4-183693657-T-C. GRCh37 (hg19) VCF-style: chr4-184614810-T-C.
Other names: c.2306T>C, p.Met769Thr (NM_199053.3); short protein forms M769T.
Identifiers: ClinVar variation 650502 (VCV000650502.7), dbSNP rs1236250238, ClinGen allele CA358871338.

ClinVar aggregate classification (germline): Uncertain significance (1 of 4 stars; one submission).

Conditions:
Autosomal recessive limb-girdle muscular dystrophy type R18 (LGMDR18). Also called: Limb-girdle muscular dystrophy, type 2S; MUSCULAR DYSTROPHY, LIMB-GIRDLE, AUTOSOMAL RECESSIVE 18; Autosomal recessive limb-girdle muscular dystrophy type 2S. Identifiers: Orphanet 369840, MedGen C4517996, MONDO:0014144, OMIM 615356.

Allele frequency attached by ClinVar (database versions not stated): gnomAD 0.00001; gnomAD exomes 0.00001 and 0.00002; TOPMed 0.00002.
gnomAD v4.1: 24 of 1,613,988 alleles (0.0015%); highest among the groups gnomAD compares: Admixed American, 0.005%; no homozygotes.

Submission:

Labcorp Genetics (formerly Invitae), Labcorp
Classification: Uncertain significance for Autosomal recessive limb-girdle muscular dystrophy type R18. Last evaluated: 2022-07-19. Review status: criteria provided, single submitter. Criteria: Invitae Variant Classification Sherloc (09022015). Collection method: clinical testing. Allele origin: germline.
Comment: ClinVar contains an entry for this variant (Variation ID: 650502). This sequence change replaces methionine, which is neutral and non-polar, with threonine, which is neutral and polar, at codon 769 of the TRAPPC11 protein (p.Met769Thr). This variant is present in population databases (no rsID available, gnomAD 0.006%). This variant has not been reported in the literature in individuals affected with TRAPPC11-related conditions. Algorithms developed to predict the effect of missense changes on protein structure and function (SIFT, PolyPhen-2, Align-GVGD) all suggest that this variant is likely to be tolerated. Algorithms developed to predict the effect of sequence changes on RNA splicing suggest that this variant may disrupt the consensus splice site. In summary, the available evidence is currently insufficient to determine the role of this variant in disease. Therefore, it has been classified as a Variant of Uncertain Significance.